The following is an entry in ClinVar:

NM_000199.5(SGSH):c.267C>A (p.Tyr89Ter)

Gene: SGSH (N-sulfoglucosamine sulfohydrolase; minus strand). Cytogenetic location: 17q25.3.
Variant type: single nucleotide variant.
Coding change: c.267C>A on transcript NM_000199.5 (MANE Select); coding-DNA position 267, C replaced by A.
Protein change: p.Tyr89Ter; replaces tyrosine 89 with a stop codon.
Molecular consequence: nonsense.
Genome position (GRCh38, 1-based): chr17:80,215,121, G>T on the plus strand (C>A on the coding strand, the complement: SGSH is on the minus strand). VCF-style: chr17-80215121-G-T. GRCh37 (hg19) VCF-style: chr17-78188920-G-T.
Other names: c.267C>A (NM_000199.4); c.267C>A, p.Tyr89Ter (NM_001352921.3, NM_001352922.2); short protein forms Y89*.
Identifiers: ClinVar variation 983123 (VCV000983123.6), dbSNP rs1479456289, ClinGen allele CA401363942.

ClinVar aggregate classification (germline): Pathogenic/Likely pathogenic. Review status: criteria provided, multiple submitters, no conflicts (2 of 4 stars). 6 submissions from 6 submitters: Pathogenic (4); Likely pathogenic (2). Last evaluated 2025-06-25.

Conditions:
Mucopolysaccharidosis, MPS-III-A (MPS3A). Also called: mucopolysaccharidosis type 3A; MPS IIIA (Sanfilippo Syndrome Type A); HEPARAN SULFATE SULFATASE DEFICIENCY; MUCOPOLYSACCHARIDOSIS, TYPE IIIA, ATTENUATED; Mucopolysaccharidosis type IIIA (Sanfilippo A); Mucopolysaccharidosis, type IIIA. Identifiers: Orphanet 581, Orphanet 79269, MedGen C0086647, MONDO:0009655, OMIM 252900.

Allele frequency attached by ClinVar (database versions not stated): gnomAD 0.00001.
gnomAD v4.1: 3 of 1,611,180 alleles (0.00019%); highest among the groups gnomAD compares: Middle Eastern, 0.016%; no homozygotes.

Submissions (6):

Natera, Inc.
Classification: Pathogenic for Mucopolysaccharidosis type IIIA. Last evaluated: 2025-06-25. Review status: criteria provided, single submitter. Criteria: Natera Variant Classification Schema (03/2026). Collection method: clinical testing. Allele origin: germline.
Comment: The c.267C>A variant in SGSH is a nonsense variant predicted to introduce a stop codon at amino acid 89. This variant is expected to result in nonsense mediated decay, truncation, or a dysfunctional protein product. This variant is rare in the general population with a frequency below the threshold expected for the associated phenotype(s). This variant has been observed in one or more individuals affected with the associated recessive disease, as either homozygous or compound heterozygous with a second variant (PMID: 35221874, 36964972). Given the available evidence, this variant is classified as Pathogenic.

Genomic Medicine Center of Excellence, King Faisal Specialist Hospital and Research Centre
Classification: Pathogenic for Mucopolysaccharidosis, MPS-III-A. Last evaluated: 2024-04-04. Review status: criteria provided, single submitter. Criteria: ACMG Guidelines, 2015. Collection method: clinical testing. Allele origin: germline.

Laboratory of Medical Genetics, National & Kapodistrian University of Athens
Classification: Pathogenic for Mucopolysaccharidosis, MPS-III-A. Last evaluated: 2024-02-01. Review status: criteria provided, single submitter. Criteria: ACMG Guidelines, 2015. Collection method: curation. Allele origin: germline. Affected: no.

Clinical Genetics Laboratory, Skane University Hospital Lund
Classification: Pathogenic. Last evaluated: 2022-05-27. Review status: criteria provided, single submitter. Criteria: ACMG Guidelines, 2015. Collection method: clinical testing. Allele origin: germline. Affected: yes.

Baylor Genetics
Classification: Likely pathogenic for Mucopolysaccharidosis, MPS-III-A. Last evaluated: 2022-04-30. Review status: criteria provided, single submitter. Criteria: ACMG Guidelines, 2015. Collection method: clinical testing. Allele origin: unknown.

Institute of Human Genetics, University of Leipzig Medical Center
Classification: Likely pathogenic for Mucopolysaccharidosis, MPS-III-A. Last evaluated: 2019-01-01. Review status: criteria provided, single submitter. Criteria: ACMG Guidelines, 2015. Collection method: clinical testing. Allele origin: unknown. Affected: yes.

Literature cited by the submitters: PubMed 35221874 (cited by Natera, Inc.); PubMed 36964972 (cited by Natera, Inc.).